The following is an entry in ClinVar:

NM_177438.3(DICER1):c.3617A>G (p.Lys1206Arg)

Gene: DICER1 (dicer 1, ribonuclease III; minus strand). Cytogenetic location: 14q32.13.
Variant type: single nucleotide variant.
Coding change: c.3617A>G on transcript NM_177438.3 (MANE Select); coding-DNA position 3617, A replaced by G.
Protein change: p.Lys1206Arg; replaces lysine 1206 with arginine.
Molecular consequence: missense variant.
Genome position (GRCh38, 1-based): chr14:95,103,779, T>C on the plus strand (A>G on the coding strand, the complement: DICER1 is on the minus strand). VCF-style: chr14-95103779-T-C. GRCh37 (hg19) VCF-style: chr14-95570116-T-C.
Other names: c.3617A>G, p.Lys1206Arg (NM_001195573.1, NM_001271282.3, NM_001291628.2 and 1 more transcripts); short protein forms K1206R.
Identifiers: ClinVar variation 966094 (VCV000966094.11), dbSNP rs761954648, ClinGen allele CA7331018.

ClinVar aggregate classification (germline): Uncertain significance (1 of 4 stars; one submission).

Conditions:
DICER1-related tumor predisposition. Also called: DICER1-related pleuropulmonary blastoma cancer predisposition syndrome; DICER1 syndrome. Identifiers: Orphanet 284343, MedGen C3839822, MONDO:0100216.

Allele frequency attached by ClinVar (database versions not stated): gnomAD exomes below 0.00001; ExAC 0.00001.
gnomAD v4.1: 2 of 1,614,232 alleles (0.00012%); highest among the groups gnomAD compares: Non-Finnish European, 0.00017%; no homozygotes.

Submission:

Labcorp Genetics (formerly Invitae), Labcorp
Classification: Uncertain significance for DICER1-related tumor predisposition. Last evaluated: 2019-09-26. Review status: criteria provided, single submitter. Criteria: Invitae Variant Classification Sherloc (09022015). Collection method: clinical testing. Allele origin: germline.
Comment: In summary, the available evidence is currently insufficient to determine the role of this variant in disease. Therefore, it has been classified as a Variant of Uncertain Significance. Algorithms developed to predict the effect of sequence changes on RNA splicing suggest that this variant may create or strengthen a splice site, but this prediction has not been confirmed by published transcriptional studies. Algorithms developed to predict the effect of missense changes on protein structure and function output the following: SIFT: "Tolerated"; PolyPhen-2: "Benign"; Align-GVGD: "Class C0". The arginine amino acid residue is found in multiple mammalian species, suggesting that this missense change does not adversely affect protein function. These predictions have not been confirmed by published functional studies and their clinical significance is uncertain. This variant has not been reported in the literature in individuals with DICER1-related disease. This variant is present in population databases (rs761954648, ExAC 0.001%). This sequence change replaces lysine with arginine at codon 1206 of the DICER1 protein (p.Lys1206Arg). The lysine residue is moderately conserved and there is a small physicochemical difference between lysine and arginine.